The following is an entry in ClinVar:

ClinVar aggregate classification (germline): Uncertain significance. Review status: criteria provided, multiple submitters, no conflicts (2 of 4 stars). 2 submissions from 2 submitters: Uncertain significance (2). Last evaluated 2025-03-06.

Allele frequency attached by ClinVar (database versions not stated): ESP Exome Variant Server 0.00008; ExAC 0.00010; TOPMed 0.00012; gnomAD 0.00014; gnomAD exomes 0.00036.
gnomAD v4.1: 535 of 1,610,802 alleles (0.033%); highest among the groups gnomAD compares: Middle Eastern, 0.05%; no homozygotes.

Submissions (2):

Labcorp Genetics (formerly Invitae), Labcorp
Classification: Uncertain significance. Last evaluated: 2025-03-06. Review status: criteria provided, single submitter. Criteria: Invitae Variant Classification Sherloc (09022015). Collection method: clinical testing. Allele origin: germline.
Comment: This sequence change replaces arginine, which is basic and polar, with glutamine, which is neutral and polar, at codon 4255 of the FAT2 protein (p.Arg4255Gln). This variant is present in population databases (rs200172237, gnomAD 0.02%). This variant has not been reported in the literature in individuals affected with FAT2-related conditions. ClinVar contains an entry for this variant (Variation ID: 2199688). An algorithm developed to predict the effect of missense changes on protein structure and function outputs the following: PolyPhen-2: "Benign". The glutamine amino acid residue is found in multiple mammalian species, which suggests that this missense change does not adversely affect protein function. In summary, the available evidence is currently insufficient to determine the role of this variant in disease. Therefore, it has been classified as a Variant of Uncertain Significance.

Ambry Genetics
Classification: Uncertain significance. Last evaluated: 2025-01-14. Review status: criteria provided, single submitter. Criteria: Ambry Variant Classification Scheme 2023. Collection method: clinical testing. Allele origin: germline.

NM_001447.3(FAT2):c.12764G>A (p.Arg4255Gln)

Genes: FAT2 (FAT atypical cadherin 2; minus strand), SLC36A1 (solute carrier family 36 member 1; plus strand). Cytogenetic location: 5q33.1.
Variant type: single nucleotide variant.
Coding change: c.12764G>A on transcript NM_001447.3 (MANE Select); coding-DNA position 12764, G replaced by A.
Protein change: p.Arg4255Gln; replaces arginine 4255 with glutamine.
Molecular consequence: missense variant.
Genome position (GRCh38, 1-based): chr5:151,505,851, C>T on the plus strand (G>A on the coding strand, the complement: FAT2 is on the minus strand). VCF-style: chr5-151505851-C-T. GRCh37 (hg19) VCF-style: chr5-150885412-C-T.
Other names: c.12764G>A (NM_001447.2); short protein forms R4255Q.
Identifiers: ClinVar variation 2199688 (VCV002199688.6), dbSNP rs200172237, ClinGen allele CA3519691.